The following is an entry in ClinVar:

NM_001393982.1(ANKRD36C):c.5553T>A (p.Val1851=)

Gene: ANKRD36C (ankyrin repeat domain 36C; minus strand). Cytogenetic location: 2q11.1.
Variant type: single nucleotide variant.
Coding change: c.5553T>A on transcript NM_001393982.1 (MANE Select); coding-DNA position 5553, T replaced by A.
Protein change: p.Val1851=; no amino-acid change (valine 1851 retained).
Molecular consequence: synonymous variant.
Genome position (GRCh38, 1-based): chr2:95,855,731, A>T on the plus strand (T>A on the coding strand, the complement: ANKRD36C is on the minus strand). VCF-style: chr2-95855731-A-T. GRCh37 (hg19) VCF-style: chr2-96521479-A-T.
Other names: c.5628T>A, p.Val1876= (NM_001310154.3).
Identifiers: ClinVar variation 4084178 (VCV004084178.8).

ClinVar aggregate classification (germline): Likely benign (1 of 4 stars; one submission).

Submission:

CeGaT Center for Human Genetics Tuebingen
Classification: Likely benign. Last evaluated: 2025-07-01. Review status: criteria provided, single submitter. Criteria: CeGaT Center For Human Genetics Tuebingen Variant Classification Criteria Version 2. Collection method: clinical testing. Allele origin: germline. Affected: yes. Observed: 1 variant allele.
Comment: ANKRD36C: PM2:Supporting, BP4, BP7